The following is an entry in ClinVar:

NM_003105.6(SORL1):c.2711G>A (p.Arg904Gln)

Gene: SORL1 (sortilin related receptor 1; plus strand). Cytogenetic location: 11q24.1.
Variant type: single nucleotide variant.
Coding change: c.2711G>A on transcript NM_003105.6 (MANE Select); coding-DNA position 2711, G replaced by A.
Protein change: p.Arg904Gln; replaces arginine 904 with glutamine.
Molecular consequence: missense variant.
Genome position (GRCh38, 1-based): chr11:121,558,638, G>A. VCF-style: chr11-121558638-G-A. GRCh37 (hg19) VCF-style: chr11-121429347-G-A.
Other names: short protein forms R904Q.
Identifiers: ClinVar variation 2073921 (VCV002073921.4), dbSNP rs112436024, ClinGen allele CA6329046.

ClinVar aggregate classification (germline): Uncertain significance (1 of 4 stars; one submission).

Allele frequency attached by ClinVar (database versions not stated): ExAC 0.00008; TOPMed 0.00012; gnomAD exomes 0.00013; ESP Exome Variant Server 0.00015; gnomAD 0.00015; 1000 Genomes Project 30x 0.00078; 1000 Genomes Project 0.00080.
gnomAD v4.1: 227 of 1,614,020 alleles (0.014%); highest among the groups gnomAD compares: East Asian, 0.029%; 1 homozygote.

Submission:

Labcorp Genetics (formerly Invitae), Labcorp
Classification: Uncertain significance. Last evaluated: 2025-08-18. Review status: criteria provided, single submitter. Criteria: Invitae Variant Classification Sherloc (09022015). Collection method: clinical testing. Allele origin: germline.
Comment: This sequence change replaces arginine, which is basic and polar, with glutamine, which is neutral and polar, at codon 904 of the SORL1 protein (p.Arg904Gln). This variant is present in population databases (rs112436024, gnomAD 0.04%), and has an allele count higher than expected for a pathogenic variant. This variant has not been reported in the literature in individuals affected with SORL1-related conditions. ClinVar contains an entry for this variant (Variation ID: 2073921). An algorithm developed to predict the effect of missense changes on protein structure and function (PolyPhen-2) suggests that this variant is likely to be disruptive. In summary, the available evidence is currently insufficient to determine the role of this variant in disease. Therefore, it has been classified as a Variant of Uncertain Significance.